The following is an entry in ClinVar:

NM_000238.4(KCNH2):c.2348C>A (p.Ser783Tyr)

Gene: KCNH2 (potassium voltage-gated channel subfamily H member 2; minus strand). Cytogenetic location: 7q36.1.
Variant type: single nucleotide variant.
Coding change: c.2348C>A on transcript NM_000238.4 (MANE Select); coding-DNA position 2348, C replaced by A.
Protein change: p.Ser783Tyr; replaces serine 783 with tyrosine.
Molecular consequence: missense variant. On other transcripts: non-coding transcript variant (2).
Genome position (GRCh38, 1-based): chr7:150,950,218, G>T on the plus strand (C>A on the coding strand, the complement: KCNH2 is on the minus strand). VCF-style: chr7-150950218-G-T. GRCh37 (hg19) VCF-style: chr7-150647306-G-T.
Other names: c.1328C>A, p.Ser443Tyr (NM_001204798.2, NM_172057.3); c.2060C>A, p.Ser687Tyr (NM_001406753.1, NM_001406756.1); c.2171C>A, p.Ser724Tyr (NM_001406755.1); c.2048C>A, p.Ser683Tyr (NM_001406757.1); c.2348C>A, p.Ser783Tyr (NM_172056.3); short protein forms S443Y, S683Y, S687Y, S724Y, S783Y.
Identifiers: ClinVar variation 2825728 (VCV002825728.3), dbSNP rs2486024984, ClinGen allele CA369856065.

ClinVar aggregate classification (germline): Uncertain significance (1 of 4 stars; one submission).

Conditions:
Long QT syndrome (LQTS). Identifiers: MedGen C0023976, MeSH D008133, MONDO:0002442. Disease mechanism: loss of function. Inheritance: Various modes of inheritance.

Submission:

Labcorp Genetics (formerly Invitae), Labcorp
Classification: Uncertain significance for Long QT syndrome. Last evaluated: 2023-01-01. Review status: criteria provided, single submitter. Criteria: Invitae Variant Classification Sherloc (09022015). Collection method: clinical testing. Allele origin: germline.
Comment: This sequence change replaces serine, which is neutral and polar, with tyrosine, which is neutral and polar, at codon 783 of the KCNH2 protein (p.Ser783Tyr). This variant is not present in population databases (gnomAD no frequency). In summary, the available evidence is currently insufficient to determine the role of this variant in disease. Therefore, it has been classified as a Variant of Uncertain Significance. Algorithms developed to predict the effect of missense changes on protein structure and function are either unavailable or do not agree on the potential impact of this missense change (SIFT: "Deleterious"; PolyPhen-2: "Probably Damaging"; Align-GVGD: "Class C15"). This variant has not been reported in the literature in individuals affected with KCNH2-related conditions.